The following is an entry in ClinVar:

NM_001040142.2(SCN2A):c.245A>G (p.Asp82Gly)

Gene: SCN2A (sodium voltage-gated channel alpha subunit 2; plus strand). Cytogenetic location: 2q24.3.
Variant type: single nucleotide variant.
Coding change: c.245A>G on transcript NM_001040142.2 (MANE Select); coding-DNA position 245, A replaced by G.
Protein change: p.Asp82Gly; replaces aspartic acid 82 with glycine.
Molecular consequence: missense variant.
Genome position (GRCh38, 1-based): chr2:165,296,068, A>G. VCF-style: chr2-165296068-A-G. GRCh37 (hg19) VCF-style: chr2-166152578-A-G.
Other names: c.245A>G, p.Asp82Gly (NM_001040143.2, NM_001371246.1, NM_001371247.1 and 1 more transcripts); short protein forms D82G.
Identifiers: ClinVar variation 1727251 (VCV001727251.3), dbSNP rs2467839067, ClinGen allele CA349010836.
Genomic context (GRCh38, chr2:165,296,068, plus strand): 5'-TTCCATTTATTTATGGAGACATTCCTCCAGAGATGGTGTCAGTGCCCCTGGAGGATCTGG[A>G]CCCCTACTATATCAATAAGAAAGTGAGTTCTTAGTCAAGTTGCCTTCACTGCCTATTTAC-3'
Protein context (NP_001035232.1, residues 72-92): EMVSVPLEDL[Asp82Gly]PYYINKKTFI

ClinVar aggregate classification (germline): Uncertain significance (1 of 4 stars; one submission).

Submissions (2):

GeneDx
Classification: Uncertain significance. Last evaluated: 2026-03-30. Review status: criteria provided, single submitter. Criteria: GeneDx Variant Classification Process June 2021. Collection method: clinical testing. Allele origin: germline.
Comment: Not observed at significant frequency in large population cohorts (gnomAD); In silico analysis supports that this missense variant has a deleterious effect on protein structure/function; This substitution is predicted to be within the N-terminal cytoplasmic domain; This variant is associated with the following publications: (PMID: 31332282, 28256214, 35982159, 27824329, 28191890, 28714951, 35982160, 31981491, 25363760, 31785789)

Channelopathy-Associated Epilepsy Research Center
No classification provided (evidence only). Condition: Complex neurodevelopmental disorder. Review status: no classification provided. Collection method: literature only. Allele origin: not applicable. Functional consequence: Moderate decrease in peak current, Normal voltage dependence of fast inactivation, Mild depolarizing shift of voltage dependence of activation, Normal fast inactivation, Overall loss-of-function. Not counted in ClinVar's aggregate classification.
ClinVar note: "not provided" was previously submitted as the classification for the variant. However, the classification appeared to be based only on an observation of functional data so it was converted to no classification on 2025-07-30.

Literature cited by the submitters: PubMed 28256214 (cited by Channelopathy-Associated Epilepsy Research Center).